The following is an entry in ClinVar:

NM_000321.3(RB1):c.2212-25T>C

Gene: RB1 (RB transcriptional corepressor 1; plus strand). Cytogenetic location: 13q14.2.
Variant type: single nucleotide variant.
Coding change: c.2212-25T>C on transcript NM_000321.3 (MANE Select); 25 bases into the intron before coding-DNA position 2212, T replaced by C.
Molecular consequence: intron variant.
Genome position (GRCh38, 1-based): chr13:48,464,973, T>C. VCF-style: chr13-48464973-T-C. GRCh37 (hg19) VCF-style: chr13-49039109-T-C.
Other names: c.2212-25T>C (NM_001407165.1).
Identifiers: ClinVar variation 4759380 (VCV004759380.1).

ClinVar aggregate classification (germline): Likely benign (1 of 4 stars; one submission).

Conditions:
Hereditary retinoblastoma. Identifiers: Orphanet 357027, MedGen C0751483, MONDO:0018160.

Submission:

Ramesar Group, Division of Human Genetics, Institute of Infectious Diseases and Molecular Medicine, UCT/MRC Genomic and Precision Medicine Research Unit, University of Cape Town
Classification: Likely benign for Hereditary retinoblastoma. Last evaluated: 2025-09-17. Review status: criteria provided, single submitter. Criteria: ACMG Guidelines, 2015. Collection method: research. Allele origin: germline. Affected: no.
Comment: BP5 - Variant found in a patient with a different retinal disease; RB1 is not associated with the phenotype BP7 - A non-coding variant with no predicted effect on splicing (SpliceAI scores are negligible)